The following is an entry in ClinVar:

ClinVar aggregate classification (germline): Conflicting classifications of pathogenicity. Review status: criteria provided, conflicting classifications (1 of 4 stars). 3 submissions from 3 submitters: Uncertain significance (1); Likely benign (1). 1 of the submissions does not count toward it. Last evaluated 2026-01-20.

Conditions:
KMT2D-related disorder. Also called: KMT2D-Related Disorders.
Kabuki syndrome. Also called: Kabuki make-up syndrome; NIIKAWA-KUROKI SYNDROME. Identifiers: Orphanet 2322, MedGen C0796004, MONDO:0016512.

Allele frequency attached by ClinVar (database versions not stated): gnomAD exomes 0.00004; ExAC 0.00005; gnomAD 0.00009 and 0.00011; TOPMed 0.00012.
gnomAD v4.1: 37 of 1,516,240 alleles (0.0024%); highest among the groups gnomAD compares: African/African-American, 0.027%; no homozygotes.

Submissions (3):

Labcorp Genetics (formerly Invitae), Labcorp
Classification: Likely benign for Kabuki syndrome. Last evaluated: 2026-01-20. Review status: criteria provided, single submitter. Criteria: Invitae Variant Classification Sherloc (09022015). Collection method: clinical testing. Allele origin: germline.

Eurofins Ntd Llc (ga)
Classification: Uncertain significance. Last evaluated: 2016-01-06. Review status: criteria provided, single submitter. Criteria: EGL Classification Definitions 2015. Collection method: clinical testing. Allele origin: germline. Observed: 2 variant alleles, 2 heterozygotes.

PreventionGenetics, part of Exact Sciences
Classification: Likely benign for KMT2D-related condition. Last evaluated: 2023-06-22. Review status: no assertion criteria provided. Collection method: clinical testing. Allele origin: germline. Not counted in ClinVar's aggregate classification.
Comment: This variant is classified as likely benign based on ACMG/AMP sequence variant interpretation guidelines (Richards et al. 2015 PMID: 25741868, with internal and published modifications).

NM_003482.4(KMT2D):c.2547G>A (p.Ser849=)

Gene: KMT2D (lysine methyltransferase 2D; minus strand). Cytogenetic location: 12q13.12.
Variant type: single nucleotide variant.
Coding change: c.2547G>A on transcript NM_003482.4 (MANE Select); coding-DNA position 2547, G replaced by A.
Protein change: p.Ser849=; no amino-acid change (serine 849 retained).
Molecular consequence: synonymous variant.
Genome position (GRCh38, 1-based): chr12:49,051,136, C>T on the plus strand (G>A on the coding strand, the complement: KMT2D is on the minus strand). VCF-style: chr12-49051136-C-T. GRCh37 (hg19) VCF-style: chr12-49444919-C-T.
Identifiers: ClinVar variation 94204 (VCV000094204.14), dbSNP rs398123738, ClinGen allele CA222060.